The following is an entry in ClinVar:

ClinVar aggregate classification (germline): Uncertain significance (0 of 4 stars; one submission).

Conditions:
NCOA1-related disorder. Also called: NCOA1-related condition.

Submission:

PreventionGenetics, part of Exact Sciences
Classification: Uncertain significance for NCOA1-related condition. Last evaluated: 2024-05-13. Review status: no assertion criteria provided. Collection method: clinical testing. Allele origin: germline.
Comment: The NCOA1 c.1549T>C variant is predicted to result in the amino acid substitution p.Ser517Pro. To our knowledge, this variant has not been reported in the literature or in a large population database, indicating this variant is rare. At this time, the clinical significance of this variant is uncertain due to the absence of conclusive functional and genetic evidence.

NM_003743.5(NCOA1):c.1549T>C (p.Ser517Pro)

Gene: NCOA1 (nuclear receptor coactivator 1; plus strand). Cytogenetic location: 2p23.3.
Variant type: single nucleotide variant.
Coding change: c.1549T>C on transcript NM_003743.5 (MANE Select); coding-DNA position 1549, T replaced by C.
Protein change: p.Ser517Pro; replaces serine 517 with proline.
Molecular consequence: missense variant.
Genome position (GRCh38, 1-based): chr2:24,707,019, T>C. VCF-style: chr2-24707019-T-C. GRCh37 (hg19) VCF-style: chr2-24929888-T-C.
Other names: c.1549T>C, p.Ser517Pro (NM_001362950.1, NM_001362952.1, NM_001362954.1 and 3 more transcripts); short protein forms S517P.
Identifiers: ClinVar variation 3348190 (VCV003348190.1).
Genomic context (GRCh38, chr2:24,707,019, plus strand): 5'-TTGGCAACAAGGCCCAGGATGCCAAACAATTCCTTTCCTCCTAATATTTCGACATTAAGC[T>C]CTCCCGTTGGCATGACAAGTAGTGCCTGTAATAATAATAACCGATCTTATTCAAACATCC-3'
Protein context (NP_003734.3, residues 507-527): SFPPNISTLS[Ser517Pro]PVGMTSSACN